The following is an entry in ClinVar:

ClinVar aggregate classification (germline): Pathogenic. Review status: criteria provided, multiple submitters, no conflicts (2 of 4 stars). 2 submissions from 2 submitters: Pathogenic (2). Last evaluated 2025-02-20.

Conditions:
DOCK8-related disorders.
Combined immunodeficiency due to DOCK8 deficiency (HIES2). Also called: HYPER-IgE SYNDROME 2, AUTOSOMAL RECESSIVE, WITH RECURRENT INFECTIONS; HIES autosomal recessive; HYPER-IgE RECURRENT INFECTION SYNDROME 2, AUTOSOMAL RECESSIVE; Hyper-IgE recurrent infection syndrome, autosomal recessive; DOCK8 Deficiency. Identifiers: Orphanet 217390, MedGen C4722305, MONDO:0009478, OMIM 243700.

Allele frequency attached by ClinVar (database versions not stated): gnomAD exomes below 0.00001; TOPMed below 0.00001; gnomAD 0.00001.

Submissions (2):

Labcorp Genetics (formerly Invitae), Labcorp
Classification: Pathogenic for Combined immunodeficiency due to DOCK8 deficiency. Last evaluated: 2025-02-20. Review status: criteria provided, single submitter. Criteria: Invitae Variant Classification Sherloc (09022015). Collection method: clinical testing. Allele origin: germline.
Comment: This sequence change creates a premature translational stop signal (p.Tyr491Thrfs*18) in the DOCK8 gene. It is expected to result in an absent or disrupted protein product. Loss-of-function variants in DOCK8 are known to be pathogenic (PMID: 14722525, 19776401). This variant is present in population databases (no rsID available, gnomAD 0.007%). This premature translational stop signal has been observed in individual(s) with DOCK8 deficiency (PMID: 24418481, 24797421). In at least one individual the data is consistent with being in trans (on the opposite chromosome) from a pathogenic variant. This variant is also known as c.1266delC, p.Y423TfsX18. ClinVar contains an entry for this variant (Variation ID: 2136718). For these reasons, this variant has been classified as Pathogenic.

Blueprint Genetics
Classification: Pathogenic for DOCK8-related disorders. Last evaluated: 2020-06-11. Review status: criteria provided, single submitter. Criteria: ACMG Guidelines, 2015. Collection method: clinical testing. Allele origin: germline. Affected: yes. Observed: 1 variant allele.

Literature cited by the submitters: PubMed 14722525 (cited by Labcorp Genetics (formerly Invitae), Labcorp); PubMed 19776401 (cited by Labcorp Genetics (formerly Invitae), Labcorp); PubMed 24418481 (cited by Labcorp Genetics (formerly Invitae), Labcorp); PubMed 24797421 (cited by Labcorp Genetics (formerly Invitae), Labcorp).

NM_203447.4(DOCK8):c.1470del (p.Tyr491fs)

Gene: DOCK8 (dedicator of cytokinesis 8; plus strand). Cytogenetic location: 9p24.3.
Variant type: Deletion.
Coding change: c.1470del on transcript NM_203447.4 (MANE Select); coding-DNA position 1470, one base deleted (C; older notation c.1470delC).
Protein change: p.Tyr491fs; shifts the reading frame from tyrosine 491.
Molecular consequence: frameshift variant.
Genome position (GRCh38, 1-based): chr9:339,053, C deleted. VCF-style (leftmost placement, unchanged base first): chr9-339052-AC-A. GRCh37 (hg19) VCF-style: chr9-339052-AC-A.
Other names: c.1266del, p.Tyr423fs (NM_001190458.2, NM_001193536.2); short protein forms Y423fs, Y491fs.
Identifiers: ClinVar variation 2136718 (VCV002136718.5), dbSNP rs867378400, ClinGen allele CA187763659.